The following is an entry in ClinVar:

NM_001040108.2(MLH3):c.2331A>T (p.Gly777=)

Gene: MLH3 (mutL homolog 3; minus strand). Cytogenetic location: 14q24.3.
Variant type: single nucleotide variant.
Coding change: c.2331A>T on transcript NM_001040108.2 (MANE Select); coding-DNA position 2331, A replaced by T.
Protein change: p.Gly777=; no amino-acid change (glycine 777 retained).
Molecular consequence: synonymous variant.
Genome position (GRCh38, 1-based): chr14:75,047,325, T>A on the plus strand (A>T on the coding strand, the complement: MLH3 is on the minus strand). VCF-style: chr14-75047325-T-A. GRCh37 (hg19) VCF-style: chr14-75514028-T-A.
Other names: c.2331A>T, p.Gly777= (NM_014381.3).
Identifiers: ClinVar variation 1121950 (VCV001121950.12), dbSNP rs375564813, ClinGen allele CA7275719.
Genomic context (GRCh38, chr14:75,047,325, plus strand): 5'-GCGGTTCTTGTCCTTCAGCAGAATGTCAGGTTCAACTTGAAGACTGAGATTGGTAGTGAC[T>A]CCATTACTTTCCTCTACTTCTGTATCCAGAGGATTTTCAACCTTCCCATATTGCCTCTTA-3'
Protein context (NP_001035197.1, residues 767-787): PLDTEVEESN[Gly777=]VTTNLSLQVE

ClinVar aggregate classification (germline): Benign/Likely benign. Review status: criteria provided, multiple submitters, no conflicts (2 of 4 stars). 3 submissions from 3 submitters: Benign (1); Likely benign (2). Last evaluated 2026-05-04.

Conditions:
Colorectal cancer, hereditary nonpolyposis, type 7. Identifiers: Orphanet 144, MedGen C1858380, MONDO:0013725, OMIM 614385.

Allele frequency attached by ClinVar (database versions not stated): gnomAD exomes 0.00001 and 0.00003; TOPMed below 0.00001; ExAC 0.00001; ESP Exome Variant Server 0.00008.
gnomAD v4.1: 47 of 1,614,126 alleles (0.0029%); highest among the groups gnomAD compares: Non-Finnish European, 0.004%; no homozygotes.

Submissions (3):

Myriad Genetics, Inc.
Classification: Benign for Colorectal cancer, hereditary nonpolyposis, type 7. Last evaluated: 2026-05-04. Review status: criteria provided, single submitter. Criteria: Myriad Autosomal Dominant, Autosomal Recessive and X-Linked Classification Criteria (2023). Collection method: clinical testing. Allele origin: unknown.
Comment: This variant is considered benign. This variant is a silent/synonymous amino acid change and it is not expected to impact splicing.

Ambry Genetics
Classification: Likely benign. Last evaluated: 2021-03-05. Review status: criteria provided, single submitter. Criteria: Ambry Variant Classification Scheme 2023. Collection method: clinical testing. Allele origin: germline.

Labcorp Genetics (formerly Invitae), Labcorp
Classification: Likely benign for Colorectal cancer, hereditary nonpolyposis, type 7. Last evaluated: 2020-09-23. Review status: criteria provided, single submitter. Criteria: Invitae Variant Classification Sherloc (09022015). Collection method: clinical testing. Allele origin: germline.